The following is an entry in ClinVar:

ClinVar aggregate classification (germline): Uncertain significance. Review status: criteria provided, multiple submitters, no conflicts (2 of 4 stars). 2 submissions from 2 submitters: Uncertain significance (2). Last evaluated 2026-07-06.

Conditions:
Hereditary cancer-predisposing syndrome. Also called: Hereditary Cancer Syndrome; Neoplastic Syndromes, Hereditary; Hereditary neoplastic syndrome; Tumor predisposition. Identifiers: Orphanet 140162, MedGen C0027672, MeSH D009386, MONDO:0015356.
Familial cancer of breast. Also called: hereditary breast carcinoma; Hereditary breast cancer; BREAST CANCER, FAMILIAL. Identifiers: Orphanet 227535, MedGen C0346153, MONDO:0016419, OMIM 114480. Disease mechanism: loss of function.
Fanconi anemia complementation group J. Also called: BRIP1-Related Fanconi Anemia. Identifiers: Orphanet 84, MedGen C1836860, MONDO:0012187, OMIM 609054.

Submissions (2):

Ambry Genetics
Classification: Uncertain significance for Hereditary cancer-predisposing syndrome. Last evaluated: 2026-07-06. Review status: criteria provided, single submitter. Criteria: Ambry Variant Classification Scheme 2023. Collection method: clinical testing. Allele origin: germline.
Comment: The p.E938D variant (also known as c.2814A>C), located in coding exon 18 of the BRIP1 gene, results from an A to C substitution at nucleotide position 2814. The glutamic acid at codon 938 is replaced by aspartic acid, an amino acid with highly similar properties. This amino acid position is conserved. In addition, this alteration is predicted to be tolerated by in silico analysis. Based on the available evidence, the clinical significance of this variant remains unclear.

Labcorp Genetics (formerly Invitae), Labcorp
Classification: Uncertain significance for Familial cancer of breast; Fanconi anemia complementation group J. Last evaluated: 2021-10-02. Review status: criteria provided, single submitter. Criteria: Invitae Variant Classification Sherloc (09022015). Collection method: clinical testing. Allele origin: germline.
Comment: Algorithms developed to predict the effect of missense changes on protein structure and function output the following: SIFT: "Tolerated"; PolyPhen-2: "Benign"; Align-GVGD: "Class C0". The aspartic acid amino acid residue is found in multiple mammalian species, which suggests that this missense change does not adversely affect protein function. In summary, the available evidence is currently insufficient to determine the role of this variant in disease. Therefore, it has been classified as a Variant of Uncertain Significance. This variant has not been reported in the literature in individuals affected with BRIP1-related conditions. This variant is not present in population databases (ExAC no frequency). This sequence change replaces glutamic acid with aspartic acid at codon 938 of the BRIP1 protein (p.Glu938Asp). The glutamic acid residue is moderately conserved and there is a small physicochemical difference between glutamic acid and aspartic acid.

NM_032043.3(BRIP1):c.2814A>C (p.Glu938Asp)

Gene: BRIP1 (BRCA1 interacting DNA helicase 1; minus strand). Cytogenetic location: 17q23.2.
Variant type: single nucleotide variant.
Coding change: c.2814A>C on transcript NM_032043.3 (MANE Select); coding-DNA position 2814, A replaced by C.
Protein change: p.Glu938Asp; replaces glutamic acid 938 with aspartic acid.
Molecular consequence: missense variant.
Genome position (GRCh38, 1-based): chr17:61,685,927, T>G on the plus strand (A>C on the coding strand, the complement: BRIP1 is on the minus strand). VCF-style: chr17-61685927-T-G. GRCh37 (hg19) VCF-style: chr17-59763288-T-G.
Other names: c.2814A>C (NM_032043.2); short protein forms E938D.
Identifiers: ClinVar variation 1349785 (VCV001349785.8), dbSNP rs1555573311, ClinGen allele CA400481476.
Genomic context (GRCh38, chr17:61,685,927, plus strand): 5'-TAGAGGTGAATTTTTGGTAATAATTTTAGGACACTGTAGTTCCTGGACACATATCTTTGC[T>G]TCATCTTCCACAAAATTTTCTGGTGATAGATGACTTGCTGCTTCCAGTAAATAAGGTGAG-3'
Protein context (NP_114432.2, residues 928-948): HLSPENFVED[Glu938Asp]AKICVQELQC